The following is an entry in ClinVar:

ClinVar aggregate classification (germline): Uncertain significance (1 of 4 stars; one submission).

Allele frequency attached by ClinVar (database versions not stated): gnomAD 0.00001.
gnomAD v4.1: 1 of 1,614,020 alleles (0.000062%); highest among the groups gnomAD compares: Admixed American, 0.0017%; no homozygotes.

Submission:

Labcorp Genetics (formerly Invitae), Labcorp
Classification: Uncertain significance. Last evaluated: 2022-10-10. Review status: criteria provided, single submitter. Criteria: Invitae Variant Classification Sherloc (09022015). Collection method: clinical testing. Allele origin: germline.
Comment: This sequence change replaces phenylalanine, which is neutral and non-polar, with cysteine, which is neutral and slightly polar, at codon 513 of the VCAN protein (p.Phe513Cys). This variant is present in population databases (no rsID available, gnomAD 0.1%). This variant has not been reported in the literature in individuals affected with VCAN-related conditions. Algorithms developed to predict the effect of missense changes on protein structure and function are either unavailable or do not agree on the potential impact of this missense change (SIFT: "Deleterious"; PolyPhen-2: "Possibly Damaging"; Align-GVGD: "Class C0"). In summary, the available evidence is currently insufficient to determine the role of this variant in disease. Therefore, it has been classified as a Variant of Uncertain Significance.

NM_004385.5(VCAN):c.1538T>G (p.Phe513Cys)

Gene: VCAN (versican; plus strand). Cytogenetic location: 5q14.3.
Variant type: single nucleotide variant.
Coding change: c.1538T>G on transcript NM_004385.5 (MANE Select); coding-DNA position 1538, T replaced by G.
Protein change: p.Phe513Cys; replaces phenylalanine 513 with cysteine.
Molecular consequence: missense variant. On other transcripts: intron variant (2).
Genome position (GRCh38, 1-based): chr5:83,519,844, T>G. VCF-style: chr5-83519844-T-G. GRCh37 (hg19) VCF-style: chr5-82815663-T-G.
Other names: c.1538T>G, p.Phe513Cys (NM_001164098.2); c.1042+7448T>G (NM_001164097.2, NM_001126336.3); short protein forms F513C.
Identifiers: ClinVar variation 2129283 (VCV002129283.4), dbSNP rs1392810916, ClinGen allele CA360300803.